The following is an entry in ClinVar:

NM_000234.3(LIG1):c.1902A>G (p.Pro634=)

Gene: LIG1 (DNA ligase 1; minus strand). Cytogenetic location: 19q13.33.
Variant type: single nucleotide variant.
Coding change: c.1902A>G on transcript NM_000234.3 (MANE Select); coding-DNA position 1902, A replaced by G.
Protein change: p.Pro634=; no amino-acid change (proline 634 retained).
Molecular consequence: synonymous variant. On other transcripts: non-coding transcript variant (6).
Genome position (GRCh38, 1-based): chr19:48,127,940, T>C on the plus strand (A>G on the coding strand, the complement: LIG1 is on the minus strand). VCF-style: chr19-48127940-T-C. GRCh37 (hg19) VCF-style: chr19-48631197-T-C.
Other names: c.1809A>G, p.Pro603= (NM_001289063.2); c.1698A>G, p.Pro566= (NM_001289064.2); c.1899A>G, p.Pro633= (NM_001320970.2); c.1812A>G, p.Pro604= (NM_001320971.2).
Identifiers: ClinVar variation 3046656 (VCV003046656.4), dbSNP rs182258878, ClinGen allele CA9546647.

ClinVar aggregate classification (germline): Likely benign. Review status: criteria provided, single submitter (1 of 4 stars). 2 submissions from 2 submitters: Likely benign (1). 1 of the submissions does not count toward it. Last evaluated 2024-12-09.

Conditions:
LIG1-related disorder. Also called: LIG1-related condition.

Allele frequency attached by ClinVar (database versions not stated): gnomAD exomes 0.00001; ExAC 0.00003; TOPMed 0.00004; gnomAD 0.00007; 1000 Genomes Project 30x 0.00047; 1000 Genomes Project 0.00060.
gnomAD v4.1: 23 of 1,614,180 alleles (0.0014%); highest among the groups gnomAD compares: African/African-American, 0.025%; no homozygotes.

Submissions (2):

Labcorp Genetics (formerly Invitae), Labcorp
Classification: Likely benign. Last evaluated: 2024-12-09. Review status: criteria provided, single submitter. Criteria: Invitae Variant Classification Sherloc (09022015). Collection method: clinical testing. Allele origin: germline.

PreventionGenetics, part of Exact Sciences
Classification: Likely benign for LIG1-related condition. Last evaluated: 2019-04-25. Review status: no assertion criteria provided. Collection method: clinical testing. Allele origin: germline. Not counted in ClinVar's aggregate classification.
Comment: This variant is classified as likely benign based on ACMG/AMP sequence variant interpretation guidelines (Richards et al. 2015 PMID: 25741868, with internal and published modifications).